The following is an entry in ClinVar:

ClinVar aggregate classification (germline): Uncertain significance (1 of 4 stars; one submission).

Conditions:
Peutz-Jeghers syndrome (PJS). Also called: Peutz-Jeghers polyposis; Periorificial lentiginosis syndrome; POLYPOSIS, HAMARTOMATOUS INTESTINAL; POLYPS-AND-SPOTS SYNDROME. Identifiers: Orphanet 2869, MedGen C0031269, MeSH D010580, MONDO:0008280, OMIM 175200.

Submission:

Labcorp Genetics (formerly Invitae), Labcorp
Classification: Uncertain significance for Peutz-Jeghers syndrome. Last evaluated: 2025-02-25. Review status: criteria provided, single submitter. Criteria: Invitae Variant Classification Sherloc (09022015). Collection method: clinical testing. Allele origin: germline.
Comment: This sequence change replaces isoleucine, which is neutral and non-polar, with leucine, which is neutral and non-polar, at codon 300 of the STK11 protein (p.Ile300Leu). This variant is not present in population databases (gnomAD no frequency). This variant has not been reported in the literature in individuals affected with STK11-related conditions. Invitae Evidence Modeling of protein sequence and biophysical properties (such as structural, functional, and spatial information, amino acid conservation, physicochemical variation, residue mobility, and thermodynamic stability) indicates that this missense variant is not expected to disrupt STK11 protein function with a negative predictive value of 95%. In summary, the available evidence is currently insufficient to determine the role of this variant in disease. Therefore, it has been classified as a Variant of Uncertain Significance.

NM_000455.5(STK11):c.898A>C (p.Ile300Leu)

Gene: STK11 (serine/threonine kinase 11; plus strand). Cytogenetic location: 19p13.3.
Variant type: single nucleotide variant.
Coding change: c.898A>C on transcript NM_000455.5 (MANE Select); coding-DNA position 898, A replaced by C.
Protein change: p.Ile300Leu; replaces isoleucine 300 with leucine.
Molecular consequence: missense variant. On other transcripts: non-coding transcript variant (1).
Genome position (GRCh38, 1-based): chr19:1,221,984, A>C. VCF-style: chr19-1221984-A-C. GRCh37 (hg19) VCF-style: chr19-1221983-A-C.
Other names: c.898A>C, p.Ile300Leu (NM_001407255.1); short protein forms I300L.
Identifiers: ClinVar variation 4734888 (VCV004734888.1).